The following is an entry in ClinVar:

NM_001754.5(RUNX1):c.1015C>G (p.Leu339Val)

Gene: RUNX1 (RUNX family transcription factor 1; minus strand). Cytogenetic location: 21q22.12.
Variant type: single nucleotide variant.
Coding change: c.1015C>G on transcript NM_001754.5 (MANE Select); coding-DNA position 1015, C replaced by G.
Protein change: p.Leu339Val; replaces leucine 339 with valine.
Molecular consequence: missense variant.
Genome position (GRCh38, 1-based): chr21:34,792,563, G>C on the plus strand (C>G on the coding strand, the complement: RUNX1 is on the minus strand). VCF-style: chr21-34792563-G-C. GRCh37 (hg19) VCF-style: chr21-36164860-G-C.
Other names: NM_001754.5(RUNX1):c.1015C>G; p.Leu339Val; c.934C>G, p.Leu312Val (NM_001001890.3); short protein forms L312V, L339V.
Identifiers: ClinVar variation 2770886 (VCV002770886.4), dbSNP rs1418195365, ClinGen allele CA410148592.
Genomic context (GRCh38, chr21:34,792,563, plus strand): 5'-GCGTCGGGGAGTAGGTGAAGGCGCCTGGATAGTGCATGCGGGGGTCGGAGATGGAGGGCA[G>C]CGCGGGGAACTGGCGCGGGTCGCTGAACGCTGTCAGGTCGGGTGCCGCTGCAGGGCGGGC-3'
Protein context (NP_001745.2, residues 329-349): AFSDPRQFPA[Leu339Val]PSISDPRMHY

ClinVar aggregate classification (germline): Uncertain significance. Review status: reviewed by expert panel (3 of 4 stars). 2 submissions from 2 submitters: Uncertain significance (1). 1 of the submissions does not count toward it. Last evaluated 2025-01-15.

Conditions:
Hereditary thrombocytopenia and hematologic cancer predisposition syndrome. Identifiers: Orphanet 71290, MedGen CN281654, MONDO:0011071.
Hereditary thrombocytopenia and hematological cancer predisposition syndrome associated with RUNX1. Also called: Familial Platelet Disorder with Propensity to Acute Myelogenous Leukemia; Familial thrombocytopenia with propensity to acute myelogenous leukemia; PLATELET DISORDER, ASPIRIN-LIKE; RUNX1 Familial Platelet Disorder with Associated Myeloid Malignancies. Identifiers: Orphanet 71290, MedGen C1832388, MeSH C563324, MONDO:0100083, OMIM 601399.

Submissions (2):

ClinGen Myeloid Malignancy Variant Curation Expert Panel
Classification: Uncertain significance for Hereditary thrombocytopenia and hematologic cancer predisposition syndrome. Last evaluated: 2025-01-15. Review status: reviewed by expert panel. Criteria: ClinGen MyeloMalig ACMG Specifications v2. Collection method: curation. Allele origin: germline. Inheritance: Autosomal dominant inheritance.
Comment: NM_001754.5(RUNX1):c.1015C>G (p.Leu339Val) is a missense variant. This variant is completely absent from all population databases with at least 20x coverage for RUNX1 in gnomAD v2.1.1 and v3.1.2 (PM2_supporting). This missense variant has a REVEL score <0.50 (0.13) (BP4). In summary, the clinical significance of this variant is uncertain. ACMG/AMP criteria applied, as specified by the Myeloid Malignancy Variant Curation Expert Panel for RUNX1: PM2_supporting, BP4.

Labcorp Genetics (formerly Invitae), Labcorp
Classification: Uncertain significance for Hereditary thrombocytopenia and hematological cancer predisposition syndrome associated with RUNX1. Last evaluated: 2023-10-22. Review status: criteria provided, single submitter. Criteria: Invitae Variant Classification Sherloc (09022015). Collection method: clinical testing. Allele origin: germline. Not counted in ClinVar's aggregate classification.
Comment: This sequence change replaces leucine, which is neutral and non-polar, with valine, which is neutral and non-polar, at codon 339 of the RUNX1 protein (p.Leu339Val). This variant is not present in population databases (gnomAD no frequency). This variant has not been reported in the literature in individuals affected with RUNX1-related conditions. Advanced modeling of protein sequence and biophysical properties (such as structural, functional, and spatial information, amino acid conservation, physicochemical variation, residue mobility, and thermodynamic stability) performed at Invitae indicates that this missense variant is not expected to disrupt RUNX1 protein function. In summary, the available evidence is currently insufficient to determine the role of this variant in disease. Therefore, it has been classified as a Variant of Uncertain Significance.